The following is an entry in ClinVar:

NM_017763.6(RNF43):c.953-14G>A

Gene: RNF43 (ring finger protein 43; minus strand). Cytogenetic location: 17q22.
Variant type: single nucleotide variant.
Coding change: c.953-14G>A on transcript NM_017763.6 (MANE Select); 14 bases into the intron before coding-DNA position 953, G replaced by A.
Molecular consequence: intron variant.
Genome position (GRCh38, 1-based): chr17:58,358,837, C>T on the plus strand (G>A on the coding strand, the complement: RNF43 is on the minus strand). VCF-style: chr17-58358837-C-T. GRCh37 (hg19) VCF-style: chr17-56436198-C-T.
Other names: c.953-14G>A (NM_001438822.1, NM_001305544.3, NM_001438820.1 and 1 more transcripts); c.572-14G>A (NM_001305545.2, NM_001437987.1).
Identifiers: ClinVar variation 4875676 (VCV004875676.1).

ClinVar aggregate classification (germline): Likely benign (1 of 4 stars; one submission).

Conditions:
Sessile serrated polyposis cancer syndrome (SSPCS). Identifiers: Orphanet 157798, MedGen C4310714, MONDO:0014919, OMIM 617108.

gnomAD v4.1: 2 of 1,478,828 alleles (0.00014%); highest among the groups gnomAD compares: Non-Finnish European, 0.00018%; no homozygotes.

Submission:

Myriad Genetics, Inc.
Classification: Likely benign for Sessile serrated polyposis cancer syndrome. Last evaluated: 2026-06-26. Review status: criteria provided, single submitter. Criteria: Myriad Autosomal Dominant, Autosomal Recessive and X-Linked Classification Criteria (2023). Collection method: clinical testing. Allele origin: unknown.
Comment: This variant is considered likely benign. This variant is intronic and is not expected to impact mRNA splicing.